The following is an entry in ClinVar:

NM_001365951.3(KIF1B):c.4367-5C>T

Gene: KIF1B (kinesin family member 1B; plus strand). Cytogenetic location: 1p36.22.
Variant type: single nucleotide variant.
Coding change: c.4367-5C>T on transcript NM_001365951.3 (MANE Select); 5 bases into the intron before coding-DNA position 4367, C replaced by T.
Molecular consequence: intron variant.
Genome position (GRCh38, 1-based): chr1:10,365,095, C>T. VCF-style: chr1-10365095-C-T. GRCh37 (hg19) VCF-style: chr1-10425153-C-T.
Other names: c.4229-5C>T (NM_015074.3); c.4367-5C>T (NM_001365952.1).
Identifiers: ClinVar variation 1453403 (VCV001453403.9), dbSNP rs2102349814, ClinGen allele CA2573130679.

ClinVar aggregate classification (germline): Conflicting classifications of pathogenicity. Review status: criteria provided, conflicting classifications (1 of 4 stars). 2 submissions from 2 submitters: Uncertain significance (1); Likely benign (1). Last evaluated 2023-12-28.

Conditions:
Charcot-Marie-Tooth disease type 2. Also called: Charcot-Marie-Tooth type 2. Identifiers: Orphanet 64746, MedGen C0270914, MONDO:0018993.

Submissions (2):

Ambry Genetics
Classification: Uncertain significance. Last evaluated: 2023-12-28. Review status: criteria provided, single submitter. Criteria: Ambry Variant Classification Scheme 2023. Collection method: clinical testing. Allele origin: germline.
Comment: The c.4229-5C>T intronic variant results from a C to T substitution 5 nucleotides upstream from coding exon 39 in the KIF1B gene. This nucleotide position is not well conserved in available vertebrate species. In silico splice site analysis predicts that this alteration will not have any significant effect on splicing. The evidence for this gene-disease relationship is limited; therefore, the clinical significance of this alteration is unclear.

Labcorp Genetics (formerly Invitae), Labcorp
Classification: Likely benign for Charcot-Marie-Tooth disease type 2. Last evaluated: 2021-10-28. Review status: criteria provided, single submitter. Criteria: Invitae Variant Classification Sherloc (09022015). Collection method: clinical testing. Allele origin: germline.